The following is an entry in ClinVar:

ClinVar aggregate classification (germline): Likely benign. Review status: criteria provided, multiple submitters, no conflicts (2 of 4 stars). 2 submissions from 2 submitters: Likely benign (2). Last evaluated 2026-01-17.

Allele frequency attached by ClinVar (database versions not stated): gnomAD 0.00001; gnomAD exomes 0.00001; TOPMed 0.00001.
gnomAD v4.1: 9 of 1,606,902 alleles (0.00056%); highest among the groups gnomAD compares: Middle Eastern, 0.017%; no homozygotes.

Submissions (2):

Labcorp Genetics (formerly Invitae), Labcorp
Classification: Likely benign. Last evaluated: 2026-01-17. Review status: criteria provided, single submitter. Criteria: Invitae Variant Classification Sherloc (09022015). Collection method: clinical testing. Allele origin: germline.

GeneDx
Classification: Likely benign. Last evaluated: 2017-12-20. Review status: criteria provided, single submitter. Criteria: GeneDx Variant Classification (06012015). Collection method: clinical testing. Allele origin: germline. Affected: yes.
Comment: This variant is considered likely benign or benign based on one or more of the following criteria: it is a conservative change, it occurs at a poorly conserved position in the protein, it is predicted to be benign by multiple in silico algorithms, and/or has population frequency not consistent with disease.

NM_017547.4(FOXRED1):c.934C>T (p.Leu312=)

Gene: FOXRED1 (FAD dependent oxidoreductase domain containing 1; plus strand). Cytogenetic location: 11q24.2.
Variant type: single nucleotide variant.
Coding change: c.934C>T on transcript NM_017547.4 (MANE Select); coding-DNA position 934, C replaced by T.
Protein change: p.Leu312=; no amino-acid change (leucine 312 retained).
Molecular consequence: synonymous variant. On other transcripts: non-coding transcript variant (2).
Genome position (GRCh38, 1-based): chr11:126,276,182, C>T. VCF-style: chr11-126276182-C-T. GRCh37 (hg19) VCF-style: chr11-126146077-C-T.
Identifiers: ClinVar variation 514214 (VCV000514214.4), dbSNP rs1274929569, ClinGen allele CA477701346.